The following is an entry in ClinVar:

NM_001287491.2(TET3):c.5063G>C (p.Arg1688Pro)

Gene: TET3 (tet methylcytosine dioxygenase 3; plus strand). Cytogenetic location: 2p13.1.
Variant type: single nucleotide variant.
Coding change: c.5063G>C on transcript NM_001287491.2 (MANE Select); coding-DNA position 5063, G replaced by C.
Protein change: p.Arg1688Pro; replaces arginine 1688 with proline.
Molecular consequence: missense variant.
Genome position (GRCh38, 1-based): chr2:74,101,851, G>C. VCF-style: chr2-74101851-G-C. GRCh37 (hg19) VCF-style: chr2-74328978-G-C.
Other names: c.4784G>C, p.Arg1595Pro (NM_001366022.1); short protein forms R1595P, R1688P.
Identifiers: ClinVar variation 4076842 (VCV004076842.1).
Genomic context (GRCh38, chr2:74,101,851, plus strand): 5'-CCCGGCGGGAGCTGCACGCCACCACGCCGCTTAAGAAGCCCAACCGCTGCCACCCCACCC[G>C]CATCTCGCTGGTCTTCTACCAGCACAAGAACCTCAACCAGCCCAACCACGGGCTGGCCCT-3'
Protein context (NP_001274420.1, residues 1678-1698): LKKPNRCHPT[Arg1688Pro]ISLVFYQHKN

ClinVar aggregate classification (germline): Uncertain significance (1 of 4 stars; one submission).

Submission:

GeneDx
Classification: Uncertain significance. Last evaluated: 2025-02-23. Review status: criteria provided, single submitter. Criteria: GeneDx Variant Classification Process June 2021. Collection method: clinical testing. Allele origin: germline. Affected: yes.
Comment: Not observed at significant frequency in large population cohorts (gnomAD); In silico analysis supports that this missense variant has a deleterious effect on protein structure/function; Has not been previously published as pathogenic or benign to our knowledge